The following is an entry in ClinVar:

ClinVar aggregate classification (germline): Uncertain significance (1 of 4 stars; one submission).

Allele frequency attached by ClinVar (database versions not stated): gnomAD exomes below 0.00001; ExAC 0.00001.
gnomAD v4.1: 5 of 1,613,382 alleles (0.00031%); highest among the groups gnomAD compares: South Asian, 0.0011%; no homozygotes.

Submission:

Labcorp Genetics (formerly Invitae), Labcorp
Classification: Uncertain significance. Last evaluated: 2023-06-23. Review status: criteria provided, single submitter. Criteria: Invitae Variant Classification Sherloc (09022015). Collection method: clinical testing. Allele origin: germline.
Comment: In summary, the available evidence is currently insufficient to determine the role of this variant in disease. Therefore, it has been classified as a Variant of Uncertain Significance. Experimental studies and prediction algorithms are not available or were not evaluated, and the functional significance of this variant is currently unknown. This variant has not been reported in the literature in individuals affected with CLTC-related conditions. The frequency data for this variant in the population databases is considered unreliable, as metrics indicate poor data quality at this position in the gnomAD database. This sequence change replaces proline, which is neutral and non-polar, with leucine, which is neutral and non-polar, at codon 1667 of the CLTC protein (p.Pro1667Leu).

NM_004859.4(CLTC):c.4988C>T (p.Pro1663Leu)

Gene: CLTC (clathrin heavy chain; plus strand). Cytogenetic location: 17q23.1.
Variant type: single nucleotide variant.
Coding change: c.4988C>T on transcript NM_004859.4 (MANE Select); coding-DNA position 4988, C replaced by T.
Protein change: p.Pro1663Leu; replaces proline 1663 with leucine.
Molecular consequence: missense variant.
Genome position (GRCh38, 1-based): chr17:59,693,812, C>T. VCF-style: chr17-59693812-C-T. GRCh37 (hg19) VCF-style: chr17-57771173-C-T.
Other names: c.5000C>T, p.Pro1667Leu (NM_001288653.2); short protein forms P1663L, P1667L.
Identifiers: ClinVar variation 2998352 (VCV002998352.3), dbSNP rs762072071, ClinGen allele CA8681852.